The following is an entry in ClinVar:

ClinVar aggregate classification (germline): Uncertain significance. Review status: criteria provided, multiple submitters, no conflicts (2 of 4 stars). 2 submissions from 2 submitters: Uncertain significance (2). Last evaluated 2025-08-22.

Conditions:
Neutropenia, severe congenital, 2, autosomal dominant. Identifiers: Orphanet 486, MedGen C2751288, MONDO:0013139, OMIM 613107.

gnomAD v4.1: 1 of 1,611,114 alleles (0.000062%); highest among the groups gnomAD compares: East Asian, 0.0022%; no homozygotes.

Submissions (2):

Labcorp Genetics (formerly Invitae), Labcorp
Classification: Uncertain significance for Neutropenia, severe congenital, 2, autosomal dominant. Last evaluated: 2025-08-22. Review status: criteria provided, single submitter. Criteria: Invitae Variant Classification Sherloc (09022015). Collection method: clinical testing. Allele origin: germline.
Comment: This sequence change replaces glycine, which is neutral and non-polar, with valine, which is neutral and non-polar, at codon 126 of the GFI1 protein (p.Gly126Val). This variant is not present in population databases (gnomAD no frequency). This variant has not been reported in the literature in individuals affected with GFI1-related conditions. ClinVar contains an entry for this variant (Variation ID: 3673001). Invitae Evidence Modeling of protein sequence and biophysical properties (such as structural, functional, and spatial information, amino acid conservation, physicochemical variation, residue mobility, and thermodynamic stability) indicates that this missense variant is not expected to disrupt GFI1 protein function with a negative predictive value of 80%. In summary, the available evidence is currently insufficient to determine the role of this variant in disease. Therefore, it has been classified as a Variant of Uncertain Significance.

Ambry Genetics
Classification: Uncertain significance. Last evaluated: 2025-02-03. Review status: criteria provided, single submitter. Criteria: Ambry Variant Classification Scheme 2023. Collection method: clinical testing. Allele origin: germline.
Comment: The p.G126V variant (also known as c.377G>T), located in coding exon 3 of the GFI1 gene, results from a G to T substitution at nucleotide position 377. The glycine at codon 126 is replaced by valine, an amino acid with dissimilar properties. This amino acid position is conserved. In addition, this alteration is predicted to be tolerated by in silico analysis. Based on the available evidence, the clinical significance of this variant remains unclear.

NM_005263.5(GFI1):c.377G>T (p.Gly126Val)

Gene: GFI1 (growth factor independent 1 transcriptional repressor; minus strand). Cytogenetic location: 1p22.1.
Variant type: single nucleotide variant.
Coding change: c.377G>T on transcript NM_005263.5 (MANE Select); coding-DNA position 377, G replaced by T.
Protein change: p.Gly126Val; replaces glycine 126 with valine.
Molecular consequence: missense variant.
Genome position (GRCh38, 1-based): chr1:92,481,010, C>A on the plus strand (G>T on the coding strand, the complement: GFI1 is on the minus strand). VCF-style: chr1-92481010-C-A. GRCh37 (hg19) VCF-style: chr1-92946567-C-A.
Other names: c.377G>T, p.Gly126Val (NM_001127215.3, NM_001127216.3); short protein forms G126V.
Identifiers: ClinVar variation 3673001 (VCV003673001.3).